The following is an entry in ClinVar:

NM_002887.4(RARS1):c.1870_1873+4dup

Gene: RARS1 (arginyl-tRNA synthetase 1; plus strand). Cytogenetic location: 5q34.
Variant type: Duplication.
Coding change: c.1870_1873+4dup on transcript NM_002887.4 (MANE Select); coding-DNA position 1870 through 4 bases into the intron after coding-DNA position 1873, 8 bases duplicated (ACTGGTGA; older notation c.1870_1873+4dupACTGGTGA).
Molecular consequence: splice donor variant.
Genome position (GRCh38, 1-based): chr5:168,518,059-168,518,066, ACTGGTGA duplicated. VCF-style (leftmost placement, unchanged base first): chr5-168518058-G-GACTGGTGA. GRCh37 (hg19) VCF-style: chr5-167945063-G-GACTGGTGA.
Identifiers: ClinVar variation 2744683 (VCV002744683.3), dbSNP rs2533405079, ClinGen allele CA2697546570.

ClinVar aggregate classification (germline): Uncertain significance (1 of 4 stars; one submission).

Submission:

Labcorp Genetics (formerly Invitae), Labcorp
Classification: Uncertain significance. Last evaluated: 2023-05-28. Review status: criteria provided, single submitter. Criteria: Invitae Variant Classification Sherloc (09022015). Collection method: clinical testing. Allele origin: germline.
Comment: In summary, the available evidence is currently insufficient to determine the role of this variant in disease. Therefore, it has been classified as a Variant of Uncertain Significance. Variants that disrupt the consensus splice site are a relatively common cause of aberrant splicing (PMID: 17576681, 9536098). Algorithms developed to predict the effect of sequence changes on RNA splicing suggest that this variant is not likely to affect RNA splicing. This variant has not been reported in the literature in individuals affected with RARS-related conditions. This variant is not present in population databases (gnomAD no frequency). This sequence change falls in intron 14 of the RARS gene. It does not directly change the encoded amino acid sequence of the RARS protein. It affects a nucleotide within the consensus splice site.

Literature cited by the submitters: PubMed 17576681; PubMed 9536098.